The following is an entry in ClinVar:

ClinVar aggregate classification (germline): Uncertain significance. Review status: criteria provided, multiple submitters, no conflicts (2 of 4 stars). 2 submissions from 2 submitters: Uncertain significance (2). Last evaluated 2025-11-02.

Conditions:
Hereditary cancer-predisposing syndrome. Also called: Neoplastic Syndromes, Hereditary; Hereditary Cancer Syndrome; Tumor predisposition; Hereditary neoplastic syndrome. Identifiers: Orphanet 140162, MedGen C0027672, MeSH D009386, MONDO:0015356.

Allele frequency attached by ClinVar (database versions not stated): TOPMed below 0.00001.

Submissions (2):

Ambry Genetics
Classification: Uncertain significance for Hereditary cancer-predisposing syndrome. Last evaluated: 2025-11-02. Review status: criteria provided, single submitter. Criteria: Ambry Variant Classification Scheme 2023. Collection method: clinical testing. Allele origin: germline.
Comment: The p.N1981S variant (also known as c.5942A>G), located in coding exon 43 of the POLE gene, results from an A to G substitution at nucleotide position 5942. The asparagine at codon 1981 is replaced by serine, an amino acid with highly similar properties. This amino acid position is conserved. In addition, this alteration is predicted to be tolerated by in silico analysis. Since supporting evidence is limited at this time, the clinical significance of this alteration remains unclear.

Labcorp Genetics (formerly Invitae), Labcorp
Classification: Uncertain significance. Last evaluated: 2025-10-07. Review status: criteria provided, single submitter. Criteria: Invitae Variant Classification Sherloc (09022015). Collection method: clinical testing. Allele origin: germline.
Comment: This sequence change replaces asparagine, which is neutral and polar, with serine, which is neutral and polar, at codon 1981 of the POLE protein (p.Asn1981Ser). This variant is not present in population databases (gnomAD no frequency). This variant has not been reported in the literature in individuals affected with POLE-related conditions. ClinVar contains an entry for this variant (Variation ID: 582224). Invitae Evidence Modeling of protein sequence and biophysical properties (such as structural, functional, and spatial information, amino acid conservation, physicochemical variation, residue mobility, and thermodynamic stability) indicates that this missense variant is not expected to disrupt POLE protein function with a negative predictive value of 80%. In summary, the available evidence is currently insufficient to determine the role of this variant in disease. Therefore, it has been classified as a Variant of Uncertain Significance.

NM_006231.4(POLE):c.5942A>G (p.Asn1981Ser)

Gene: POLE (DNA polymerase epsilon, catalytic subunit; minus strand). Cytogenetic location: 12q24.33.
Variant type: single nucleotide variant.
Coding change: c.5942A>G on transcript NM_006231.4 (MANE Select); coding-DNA position 5942, A replaced by G.
Protein change: p.Asn1981Ser; replaces asparagine 1981 with serine.
Molecular consequence: missense variant.
Genome position (GRCh38, 1-based): chr12:132,634,248, T>C on the plus strand (A>G on the coding strand, the complement: POLE is on the minus strand). VCF-style: chr12-132634248-T-C. GRCh37 (hg19) VCF-style: chr12-133210834-T-C.
Other names: c.5942A>G (NM_006231.2); short protein forms N1981S.
Identifiers: ClinVar variation 582224 (VCV000582224.11), dbSNP rs1565928438, ClinGen allele CA387371541.
Genomic context (GRCh38, chr12:132,634,248, plus strand): 5'-GAAACAATCATGAGGAAGTAGTTCTGGCAGGAGGCTGCCTGTGGCAAAAACTGCAAAATG[T>C]TCCAGTTGTTTTCCAGTAAATCCTCCACGTTGGATTCCTCCGCCTCTTCCTCCTCCTCCC-3'
Protein context (NP_006222.2, residues 1971-1991): NVEDLLENNW[Asn1981Ser]ILQFLPQAAS